The following is an entry in ClinVar:

ClinVar aggregate classification (germline): Likely benign. Review status: criteria provided, multiple submitters, no conflicts (2 of 4 stars). 2 submissions from 2 submitters: Likely benign (2). Last evaluated 2026-02-01.

Allele frequency attached by ClinVar (database versions not stated): TOPMed 0.00002; gnomAD 0.00004 and 0.00005; gnomAD exomes 0.00004 and 0.00010; ExAC 0.00011; 1000 Genomes Project 0.00040; 1000 Genomes Project 30x 0.00047.
gnomAD v4.1: 65 of 1,614,134 alleles (0.004%); highest among the groups gnomAD compares: Admixed American, 0.017%; no homozygotes.

Submissions (2):

CeGaT Center for Human Genetics Tuebingen
Classification: Likely benign. Last evaluated: 2026-02-01. Review status: criteria provided, single submitter. Criteria: CeGaT Center For Human Genetics Tuebingen Variant Classification Criteria Version 2. Collection method: clinical testing. Allele origin: germline. Affected: yes. Observed: 2 variant alleles.
Comment: HDAC4: BP4, BP7

Labcorp Genetics (formerly Invitae), Labcorp
Classification: Likely benign. Last evaluated: 2021-10-16. Review status: criteria provided, single submitter. Criteria: Invitae Variant Classification Sherloc (09022015). Collection method: clinical testing. Allele origin: germline.

NM_001378414.1(HDAC4):c.591C>T (p.Ser197=)

Gene: HDAC4 (histone deacetylase 4; minus strand). Cytogenetic location: 2q37.3.
Variant type: single nucleotide variant.
Coding change: c.591C>T on transcript NM_001378414.1 (MANE Select); coding-DNA position 591, C replaced by T.
Protein change: p.Ser197=; no amino-acid change (serine 197 retained).
Molecular consequence: synonymous variant.
Genome position (GRCh38, 1-based): chr2:239,163,823, G>A on the plus strand (C>T on the coding strand, the complement: HDAC4 is on the minus strand). VCF-style: chr2-239163823-G-A. GRCh37 (hg19) VCF-style: chr2-240085519-G-A.
Other names: c.591C>T, p.Ser197= (NM_001378415.1, NM_001378416.1, NM_001378417.1 and 1 more transcripts).
Identifiers: ClinVar variation 1387780 (VCV001387780.15), dbSNP rs541806713, ClinGen allele CA2200209.